The following is an entry in ClinVar:

ClinVar aggregate classification (germline): Uncertain significance (1 of 4 stars; one submission).

Conditions:
Combined oxidative phosphorylation defect type 14. Also called: Combined oxidative phosphorylation deficiency 14. Identifiers: Orphanet 319519, MedGen C4755312, MONDO:0013986, OMIM 614946.

Submission:

Labcorp Genetics (formerly Invitae), Labcorp
Classification: Uncertain significance for Combined oxidative phosphorylation defect type 14. Last evaluated: 2022-06-13. Review status: criteria provided, single submitter. Criteria: Invitae Variant Classification Sherloc (09022015). Collection method: clinical testing. Allele origin: germline.
Comment: This sequence change replaces lysine, which is basic and polar, with arginine, which is basic and polar, at codon 353 of the FARS2 protein (p.Lys353Arg). This variant is not present in population databases (gnomAD no frequency). This variant has not been reported in the literature in individuals affected with FARS2-related conditions. Advanced modeling of protein sequence and biophysical properties (such as structural, functional, and spatial information, amino acid conservation, physicochemical variation, residue mobility, and thermodynamic stability) performed at Invitae indicates that this missense variant is not expected to disrupt FARS2 protein function. Algorithms developed to predict the effect of sequence changes on RNA splicing suggest that this variant may create or strengthen a splice site. In summary, the available evidence is currently insufficient to determine the role of this variant in disease. Therefore, it has been classified as a Variant of Uncertain Significance.

NM_006567.5(FARS2):c.1058A>G (p.Lys353Arg)

Gene: FARS2 (phenylalanyl-tRNA synthetase 2, mitochondrial; plus strand). Cytogenetic location: 6p25.1.
Variant type: single nucleotide variant.
Coding change: c.1058A>G on transcript NM_006567.5 (MANE Select); coding-DNA position 1058, A replaced by G.
Protein change: p.Lys353Arg; replaces lysine 353 with arginine.
Molecular consequence: missense variant.
Genome position (GRCh38, 1-based): chr6:5,545,333, A>G. VCF-style: chr6-5545333-A-G. GRCh37 (hg19) VCF-style: chr6-5545566-A-G.
Other names: c.1058A>G, p.Lys353Arg (NM_001318872.2, NM_001374875.1, NM_001374876.1 and 4 more transcripts); c.926A>G, p.Lys309Arg (NM_001375258.1); c.362A>G, p.Lys121Arg (NM_001375259.1, NM_001375260.1); short protein forms K121R, K309R, K353R.
Identifiers: ClinVar variation 1463630 (VCV001463630.5), dbSNP rs2150500894, ClinGen allele CA362736709.
Genomic context (GRCh38, chr6:5,545,333, plus strand): 5'-GGTGTGAGGACGAGCGCTTCCTGAAGCAGTTCTGTGTATCCAACATTAATCAGAAGGTGA[A>G]GTTTCAGGTAAGATGACTTGCAAGAACTGAATAGATAATAATAAAAATGGCTGTCAAGGA-3'
Protein context (NP_006558.1, residues 343-363): FCVSNINQKV[Lys353Arg]FQPLSKYPAV